The following continues an entry in ClinVar:

NM_005343.4(HRAS):c.34G>A (p.Gly12Ser)

ClinVar aggregate classification (germline): Pathogenic. Pathogenic (1). ClinVar aggregate classification (somatic clinical impact): Tier I - Strong.

Submissions 18 to 28 of 50:

ARUP Laboratories, Molecular Genetics and Genomics, ARUP Laboratories
Classification: Pathogenic. Last evaluated: 2020-02-16. Review status: criteria provided, single submitter. Criteria: ARUP Molecular Germline Variant Investigation Process. Collection method: clinical testing. Allele origin: germline. Not counted in ClinVar's aggregate classification.
Comment: The HRAS c.34G>A; p.Gly12Ser variant (rs104894229) is a very common pathogenic variant in patients diagnosed with Costello syndrome (Aoki 2005, Estep 2006, Gripp 2005, Kerr 2006, Niihori 2011, Zampino 2007). The glycine residues at codons 12 and 13 are frequently altered in both Costello syndrome patients (Aoki 2005, Estep 2006, Gripp 2005, Kerr 2006, Niihori 2011) and tumor samples (Aoki 2005, Estep 2006). Functional characterization of the p.Gly12Ser protein indicates increased downstream MEK signaling activity (Aoki 2005, Niihori 2011), consistent with the established disease mechanism of Costello syndrome, which has phenotypic overlap with Noonan syndrome. Based on available information, this variant is considered to be pathogenic. References: Aoki Y et al. Germline mutations in HRAS proto-oncogene cause Costello syndrome. Nat Genet. 2005; 37(10):1038-40. Estep A et al. HRAS mutations in Costello syndrome: detection of constitutional activating mutations in codon 12 and 13 and loss of wild-type allele in malignancy. Am J Med Genet A. 2006; 140(1):8-16. Gripp K et al. HRAS mutation analysis in Costello syndrome: genotype and phenotype correlation. Am J Med Genet A. 2006; 140(1):1-7. Kerr B et al. Genotype-phenotype correlation in Costello syndrome: HRAS mutation analysis in 43 cases. J Med Genet. 2006; 43(5):401-5. Niihori T et al. HRAS mutants identified in Costello syndrome patients can induce cellular senescence: possible implications for the pathogenesis of Costello syndrome. J Hum Genet. 2011; 56(10):707-15. Zampino G et al. Diversity, parental germline origin, and phenotypic spectrum of de novo HRAS missense changes in Costello syndrome. Hum Mutat. 2007; 28(3):265-72.

Division Of Personalized Genomic Medicine, Columbia University Irving Medical Center
Classification: Pathogenic for Costello syndrome. Last evaluated: 2019-12-18. Review status: criteria provided, single submitter. Criteria: ACMG Guidelines, 2015. Collection method: clinical testing. Allele origin: de novo. Inheritance: Autosomal dominant inheritance. Affected: yes. Observed: 1 heterozygote. Not counted in ClinVar's aggregate classification.
Comment: The missense variant c.34G>A results in a single base pair substitution at nucleotide position 34 in exon 2 (6 in total) of_x000D_the HRAS gene. The c.34G>A variant is not observed in the Genome Aggregation Database (gnomAD), indicating it is_x000D_not a common benign variant in the populations represented in this database._x000D_The variant is a well-defined pathogenic variant associated with Costello syndrome (PMID:NBK1507), and has been_x000D_described as pathogenic by the ClinGen RASopathy Variant Curation Expert Panel (VarID: 12602). It has been reported_x000D_previously in multiple patients with features of RASopathy (PMID: 16170316, 16835863, 16443854, 16881968,_x000D_17054105). The variant is located in a mutational hotspot region, which harbors very low rate of benign missense_x000D_mutations. This variant is predicted to be deleterious by multiple computational tools. Additionally, in vitro functional_x000D_studies have demonstrated that this variant may affect protein function (PMID: 17412879)

GeneDx
Classification: Pathogenic. Last evaluated: 2019-11-29. Review status: criteria provided, single submitter. Criteria: GeneDx Variant Classification Process June 2021. Collection method: clinical testing. Allele origin: germline. Affected: yes. Not counted in ClinVar's aggregate classification.
Comment: Functional studies indicate that the G12S variant alters GTP and GDP dissociation rates resulting in increased active GTP-bound HRAS, which up-regulates the Ras/MAPK pathway (Wey et al. 2013); Not observed in large population cohorts (Lek et al., 2016); The majority of missense variants in this gene are considered pathogenic (Stenson et al., 2014); Classified as pathogenic by the ClinGen RASopathy Expert Panel (SCV000616364.3; Gelb et al., 2018); This variant is associated with the following publications: (PMID: 22317973, 27195699, 21850009, 24224811, 23093928, 16329078, 16170316, 19371735, 23751039, 21834037, 20979192, 27705751, 26350204, 24803665, 27589201, 25722179, 24169525, 28141901, 28027064, 16835863, 17412879, 16881968, 19669404, 30138938, 30055033, 30792901, 30050098, 25815234, 31394527, 29907801, 31560489, 31564432, 31712860, 31965297, 31795565, 32369273, 32371413, 33482860, 32681669)

Revvity Omics, Revvity
Classification: Pathogenic for Costello syndrome. Last evaluated: 2019-10-29. Review status: criteria provided, single submitter. Criteria: ACMG Guidelines, 2015. Collection method: clinical testing. Allele origin: germline. Not counted in ClinVar's aggregate classification.

Women's Health and Genetics/Laboratory Corporation of America, LabCorp
Classification: Pathogenic for Costello syndrome. Last evaluated: 2019-05-13. Review status: criteria provided, single submitter. Criteria: LabCorp Variant Classification Summary - May 2015. Collection method: clinical testing. Allele origin: germline. Not counted in ClinVar's aggregate classification.
Comment: Variant summary: HRAS c.34G>A (p.Gly12Ser) results in a non-conservative amino acid change located in the Small GTP-binding protein domain of the encoded protein sequence. Three of five in-silico tools predict a damaging effect of the variant on protein function. The variant was absent in 250394 control chromosomes (gnomAD). The variant, c.34G>A, has been reported in the literature in multiple individuals affected with Costello Syndrome (Aoki_2005, Kerr_2006, Gripp_2006, Niihori_2011). These data indicate that the variant is very likely to be associated with disease. At least two publication report experimental evidence evaluating an impact on protein function (Gain of function) and the effect of this variant is similar to other HRAS pathogenic variants (Paquin_2009, Niihori_2011). Eight ClinVar submissions from clinical diagnostic laboratories and one expert panel (ClinGen RASopathy) (evaluation after 2014) cite the variant as pathogenic. Based on the evidence outlined above, the variant was classified as pathogenic.

Genomic Medicine Lab, University of California San Francisco
Classification: Pathogenic for Costello syndrome. Last evaluated: 2019-01-11. Review status: criteria provided, single submitter. Criteria: ACMG Guidelines, 2015. Collection method: clinical testing. Allele origin: de novo. Inheritance: Autosomal dominant inheritance. Affected: yes. Study: CSER. Not counted in ClinVar's aggregate classification.

Rady Children's Institute for Genomic Medicine, Rady Children's Hospital San Diego
Classification: Pathogenic for COSTELLO SYNDROME. Last evaluated: 2018-07-03. Review status: criteria provided, single submitter. Criteria: ACMG Guidelines, 2015. Collection method: clinical testing. Allele origin: germline. Affected: yes. Observed: 1 variant allele. Not counted in ClinVar's aggregate classification.
Comment: This established pathogenic variant is found in approximately 80% of individuals with Costello syndrome (PMID: 16170316, 22261753, 20301680). This variant has been classified in ClinVar as pathogenic by the ClinGen Rasopathy Expert Panel and by several clinical diagnostic laboratories (variant ID: 12602). It is absent from the ExAC and gnomAD population databases and thus is presumed to be rare. Analysis of the parental samples was negative for the variant, indicating this variant likely occurred as a de novo event. Based on the available evidence, the c.34G>A (p.Gly12Ser) variant is classified as pathogenic.

Illumina Laboratory Services, Illumina
Classification: Pathogenic for Costello syndrome. Last evaluated: 2018-04-24. Review status: criteria provided, single submitter. Criteria: ICSLVariantClassificationCriteria RUGD 01 April 2020. Collection method: clinical testing. Allele origin: unknown. Not counted in ClinVar's aggregate classification.
Comment: The HRAS c.34G>A p.(Gly12Ser) missense variant has been identified in individuals with a phenotype consistent with Costello syndrome, and in a de novo state in the majority (Gripp et al. 2006; Hague et al. 2017; Chiu et al. 2016; Niihori et al. 2011; van Steensel et al. 2006). This variant is not observed in version 2.1.1 of the Genome Aggregation Database. The Gly12 residue is highly conserved through evolution. Functional studies found that when the p.Gly12Ser variant HRAS protein was over-expressed in human diploid fibroblasts, cells exhibited a senescence phenotype including a flat, enlarged and multivacuolated morphology with prominent nucleoli, in contrast to cells produced by wild type HRAS protein (Niihori et al. 2011). In addition, cells expressing the p.Gly12Ser variant HRAS protein exhibited increased cell proliferation and astrogenesis, but decreased neurogenesis (Paquin et al. 2009). Based on the available evidence, the p.Gly12Ser variant is classified as pathogenic for Costello syndrome.

Institute for Genomic Medicine (IGM) Clinical Laboratory, Nationwide Children's Hospital
Classification: Pathogenic for Costello syndrome. Last evaluated: 2018-04-06. Review status: criteria provided, single submitter. Criteria: ACMG Guidelines, 2015. Collection method: clinical testing. Allele origin: germline. Affected: yes. Not counted in ClinVar's aggregate classification.
Comment: [ACMG/AMP: PS2, PM1, PM2, PM5, PP5] This alteration is de novo in origin as it was not detected in the submitted parental specimens (identity confirmed) [PS2], is located in a mutational hotspot and/or critical and well-established functional domain [PM1], is absent from or rarely observed in large-scale population databases [PM2], is a novel missense change at an amino residue where a different missense change has been deemed to be pathogenic [PM5], was reported as a pathogenic/likely pathogenic alteration by a reputable source (ClinVar or other correspondence from a clinical testing laboratory) [PP5].

CENTOGENE GmbH and LLC - Guiding Precision Medicine
Classification: Pathogenic for Costello syndrome. Last evaluated: 2018-03-01. Review status: criteria provided, single submitter. Criteria: ACMG Guidelines, 2015. Collection method: clinical testing. Allele origin: germline. Affected: yes. Not counted in ClinVar's aggregate classification.

Genome Diagnostics Laboratory, The Hospital for Sick Children
Classification: Pathogenic for Noonan syndrome and Noonan-related syndrome. Last evaluated: 2016-12-19. Review status: criteria provided, single submitter. Criteria: ACMG Guidelines, 2015. Collection method: clinical testing. Allele origin: germline. Affected: yes. Not counted in ClinVar's aggregate classification.